The following is an entry in ClinVar:

NM_001253697.2(ERBIN):c.2557A>T (p.Thr853Ser)

Gene: ERBIN (erbb2 interacting protein; plus strand). Cytogenetic location: 5q12.3.
Variant type: single nucleotide variant.
Coding change: c.2557A>T on transcript NM_001253697.2 (MANE Select); coding-DNA position 2557, A replaced by T.
Protein change: p.Thr853Ser; replaces threonine 853 with serine.
Molecular consequence: missense variant.
Genome position (GRCh38, 1-based): chr5:66,053,875, A>T. VCF-style: chr5-66053875-A-T. GRCh37 (hg19) VCF-style: chr5-65349703-A-T.
Other names: c.2557A>T, p.Thr853Ser (NM_001006600.3, NM_001253698.2, NM_001253699.2 and 1 more transcripts); c.2545A>T, p.Thr849Ser (NM_001253701.2); short protein forms T849S, T853S.
Identifiers: ClinVar variation 4809657 (VCV004809657.1).

ClinVar aggregate classification (germline): Uncertain significance (1 of 4 stars; one submission).

gnomAD v4.1: 3 of 1,614,136 alleles (0.00019%); highest among the groups gnomAD compares: Non-Finnish European, 0.00025%; no homozygotes.

Submission:

Labcorp Genetics (formerly Invitae), Labcorp
Classification: Uncertain significance. Last evaluated: 2025-08-24. Review status: criteria provided, single submitter. Criteria: Invitae Variant Classification Sherloc (09022015). Collection method: clinical testing. Allele origin: germline.
Comment: This sequence change replaces threonine, which is neutral and polar, with serine, which is neutral and polar, at codon 853 of the ERBIN protein (p.Thr853Ser). This variant is not present in population databases (gnomAD no frequency). This variant has not been reported in the literature in individuals affected with ERBIN-related conditions. An algorithm developed to predict the effect of missense changes on protein structure and function (PolyPhen-2) suggests that this variant is likely to be tolerated. In summary, the available evidence is currently insufficient to determine the role of this variant in disease. Therefore, it has been classified as a Variant of Uncertain Significance.